The following is an entry in ClinVar:

NM_001080414.4(CCDC88C):c.3187G>T (p.Glu1063Ter)

Gene: CCDC88C (coiled-coil and HOOK domain protein 88C; minus strand). Cytogenetic location: 14q32.11.
Variant type: single nucleotide variant.
Coding change: c.3187G>T on transcript NM_001080414.4 (MANE Select); coding-DNA position 3187, G replaced by T.
Protein change: p.Glu1063Ter; replaces glutamic acid 1063 with a stop codon.
Molecular consequence: nonsense.
Genome position (GRCh38, 1-based): chr14:91,307,046, C>A on the plus strand (G>T on the coding strand, the complement: CCDC88C is on the minus strand). VCF-style: chr14-91307046-C-A. GRCh37 (hg19) VCF-style: chr14-91773390-C-A.
Other names: short protein forms E1063*.
Identifiers: ClinVar variation 2770263 (VCV002770263.3), dbSNP rs2544365573, ClinGen allele CA390624896.

ClinVar aggregate classification (germline): Pathogenic (1 of 4 stars; one submission).

gnomAD v4.1: 1 of 1,611,198 alleles (0.000062%); highest among the groups gnomAD compares: South Asian, 0.0011%; no homozygotes.

Submission:

Labcorp Genetics (formerly Invitae), Labcorp
Classification: Pathogenic. Last evaluated: 2023-10-20. Review status: criteria provided, single submitter. Criteria: Invitae Variant Classification Sherloc (09022015). Collection method: clinical testing. Allele origin: germline.
Comment: This sequence change creates a premature translational stop signal (p.Glu1063*) in the CCDC88C gene. It is expected to result in an absent or disrupted protein product. Loss-of-function variants in CCDC88C are known to be pathogenic (PMID: 23042809, 29225145). This variant is not present in population databases (gnomAD no frequency). This variant has not been reported in the literature in individuals affected with CCDC88C-related conditions. For these reasons, this variant has been classified as Pathogenic.

Literature cited by the submitters: PubMed 23042809; PubMed 29225145.